The following is an entry in ClinVar:

NM_025179.4(PLXNA2):c.1737C>A (p.Ser579Arg)

Gene: PLXNA2 (plexin A2; minus strand). Cytogenetic location: 1q32.2.
Variant type: single nucleotide variant.
Coding change: c.1737C>A on transcript NM_025179.4 (MANE Select); coding-DNA position 1737, C replaced by A.
Protein change: p.Ser579Arg; replaces serine 579 with arginine.
Molecular consequence: missense variant.
Genome position (GRCh38, 1-based): chr1:208,096,878, G>T on the plus strand (C>A on the coding strand, the complement: PLXNA2 is on the minus strand). VCF-style: chr1-208096878-G-T. GRCh37 (hg19) VCF-style: chr1-208270223-G-T.
Other names: short protein forms S579R.
Identifiers: ClinVar variation 2635709 (VCV002635709.1), dbSNP rs1273859654, ClinGen allele CA344556596.

ClinVar aggregate classification (germline): Uncertain significance (1 of 4 stars; one submission).

Conditions:
PLXNA2-related disorder. Also called: PLXNA2-related condition.

Allele frequency attached by ClinVar (database versions not stated): gnomAD exomes below 0.00001; TOPMed 0.00002; gnomAD 0.00003.
gnomAD v4.1: 9 of 1,613,042 alleles (0.00056%); highest among the groups gnomAD compares: Non-Finnish European, 0.00059%; no homozygotes.

Submission:

PreventionGenetics, part of Exact Sciences
Classification: Uncertain significance for PLXNA2-related condition. Last evaluated: 2023-09-27. Review status: criteria provided, single submitter. Criteria: ACMG Guidelines, 2015. Collection method: clinical testing. Allele origin: germline.
Comment: The PLXNA2 c.1737C>A variant is predicted to result in the amino acid substitution p.Ser579Arg. To our knowledge, this variant has not been reported in the literature. This variant is reported in 0.0016% of alleles in individuals of European (Non-Finnish) descent in gnomAD. At this time, the clinical significance of this variant is uncertain due to the absence of conclusive functional and genetic evidence.